The following is an entry in ClinVar:

NM_000545.8(HNF1A):c.557T>C (p.Ile186Thr)

Gene: HNF1A (HNF1 homeobox A; plus strand). Cytogenetic location: 12q24.31.
Variant type: single nucleotide variant.
Coding change: c.557T>C on transcript NM_000545.8 (MANE Select); coding-DNA position 557, T replaced by C.
Protein change: p.Ile186Thr; replaces isoleucine 186 with threonine.
Molecular consequence: missense variant.
Genome position (GRCh38, 1-based): chr12:120,993,550, T>C. VCF-style: chr12-120993550-T-C. GRCh37 (hg19) VCF-style: chr12-121431353-T-C.
Other names: NM_000545.8(HNF1A):c.557T>C; p.Ile186Thr; c.557T>C, p.Ile186Thr (NM_001306179.2); short protein forms I186T.
Identifiers: ClinVar variation 134509 (VCV000134509.10), dbSNP rs587778396, ClinGen allele CA160013.
Genomic context (GRCh38, chr12:120,993,550, plus strand): 5'-TACCCCACTCACGGCTTTCTGTGCCTGCAGAGTTCACCCATGCAGGGCAGGGAGGGCTGA[T>C]TGAAGAGCCCACAGGTGATGAGCTACCAACCAAGAAGGGGCGGAGGAACCGTTTCAAGTG-3'
Protein context (NP_000536.6, residues 176-196): QFTHAGQGGL[Ile186Thr]EEPTGDELPT

ClinVar aggregate classification (germline): Uncertain significance. Review status: reviewed by expert panel (3 of 4 stars). 5 submissions from 5 submitters: Uncertain significance (1). 4 of the submissions do not count toward it. Last evaluated 2026-04-23.

Conditions:
Monogenic diabetes. Identifiers: Orphanet 183625, MedGen C3888631, MONDO:0015967.
Maturity-onset diabetes of the young (MODY). Also called: Maturity onset diabetes mellitus in young. Identifiers: Orphanet 552, MedGen C0342276, MONDO:0018911, HP:0004904.

Allele frequency attached by ClinVar (database versions not stated): gnomAD 0.00001; TOPMed 0.00002; gnomAD exomes 0.00003; ExAC 0.00004.
gnomAD v4.1: 42 of 1,613,976 alleles (0.0026%); highest among the groups gnomAD compares: East Asian, 0.0045%; no homozygotes.

Submissions (5):

ClinGen Monogenic Diabetes Variant Curation Expert Panel
Classification: Uncertain significance for Monogenic diabetes. Last evaluated: 2026-04-23. Review status: reviewed by expert panel. Criteria: ClinGen Diabetes ACMG Specifications HNF1A V3.1.0. Collection method: curation. Allele origin: germline. Inheritance: Autosomal dominant inheritance.
Comment: The c.557T>C variant in the HNF1 homeobox A gene, HNF1A, causes an amino acid change of isoleucine to threonine at codon 186 (p.(Ile186Thr)) of transcript NM_000545.8. This variant has a Grpmax filtering allele frequency of 0.00001994 in gnomAD v4.1.0, which falls between ClinGen MDEP-established cutoffs for PM2_Supporting and BS1; thus, neither criterion will be applied. This variant was identified in four unrelated individuals with non- autoimmune and non-absolute/near-absolute insulin-deficient diabetes; however, PS4_Moderate cannot be applied because the variant does not meet the PM2_Supporting cutoff (internal lab contributors). Two of these individuals did have a clinical history highly specific for HNF1A-monogenic diabetes (MODY probability calculator result >50%, negative genetic testing for HNF4A, and antibody negative) (PP4_Moderate; internal lab contributors). This variant is located in the HNF1A DNA binding domain, but outside of the region defined as critical for the protein’s function by the ClinGen MDEP (codons 107-174 and 201-280); therefore, PM1_Supporting is not met. This variant has a REVEL score of 0.326, which is between the ClinGen MDEP thresholds, predicting neither a damaging nor benign impact on HNF1A function. In summary, c.557T>C meets the criteria to be classified as a variant of uncertain significance for monogenic diabetes. ACMG/AMP criteria applied, as specified by the ClinGen MDEP VCEP (specification version 3.1.0, approved 10/10/2025): PP4_Moderate.

Dasa
Classification: Uncertain significance. Last evaluated: 2025-07-05. Review status: criteria provided, single submitter. Criteria: DASA Assertion Criteria. Collection method: clinical testing. Allele origin: germline. Not counted in ClinVar's aggregate classification.
Comment: NM_000545.8(HNF1A):c.557T>C (p.Ile186Thr) is a missense variant that results in the substitution of isoleucine with threonine. This variant is rare in population databases. Computational prediction algorithms are consistent with a benign effect. The currently available literature and clinical evidence are not sufficient to establish a definitive association between this variant and the reported condition. Therefore, this variant is classified as a variant of uncertain significance.

Blueprint Genetics
Classification: Uncertain significance. Last evaluated: 2024-09-27. Review status: criteria provided, single submitter. Criteria: ACMG Guidelines, 2015. Collection method: clinical testing. Allele origin: germline. Not counted in ClinVar's aggregate classification.

Clinical Genomics, Uppaluri K&H Personalized Medicine Clinic
Classification: Uncertain significance for Maturity-onset diabetes of the young. Review status: criteria provided, single submitter. Criteria: K & H Uppaluri Personalized Medicine Clinic Variant Classification & Assertion Criteria_Updated V.1. Collection method: research. Allele origin: unknown. Inheritance: Autosomal dominant inheritance. Not counted in ClinVar's aggregate classification.
Comment: Mutations in HNF1A gene can predispose to MODY3. It is associated with both micro and macrovascular complications of diabetes, especially cardiovascular complications. Associated with glucosuria. May respond well to sulfonylureas. However, more evidence is required to confer the association of this particular variant rs587778396 with MODY3.

ITMI
No classification provided. Condition: AllHighlyPenetrant. Last evaluated: 2013-09-19. Review status: no classification provided. Collection method: reference population. Allele origin: germline. Not counted in ClinVar's aggregate classification.
Comment: Please see associated publication for description of ethnicities

Literature cited by the submitters: PubMed 31517624 (cited by Clinical Genomics, Uppaluri K&H Personalized Medicine Clinic); PubMed 32395877 (cited by Clinical Genomics, Uppaluri K&H Personalized Medicine Clinic); PubMed 35328643 (cited by Clinical Genomics, Uppaluri K&H Personalized Medicine Clinic); PubMed 35673428 (cited by Clinical Genomics, Uppaluri K&H Personalized Medicine Clinic); PubMed 24728327 (cited by ITMI).